The following is an entry in ClinVar:

ClinVar aggregate classification (germline): Uncertain significance (1 of 4 stars; one submission).

Conditions:
Charcot-Marie-Tooth disease type 4. Also called: Charcot-Marie-Tooth disease, type IV; Charcot-Marie-Tooth, Type 4. Identifiers: Orphanet 64749, MedGen C4082197, MONDO:0018995.

Submission:

Labcorp Genetics (formerly Invitae), Labcorp
Classification: Uncertain significance for Charcot-Marie-Tooth disease type 4. Last evaluated: 2022-05-27. Review status: criteria provided, single submitter. Criteria: Invitae Variant Classification Sherloc (09022015). Collection method: clinical testing. Allele origin: germline.
Comment: In summary, the available evidence is currently insufficient to determine the role of this variant in disease. Therefore, it has been classified as a Variant of Uncertain Significance. Advanced modeling of protein sequence and biophysical properties (such as structural, functional, and spatial information, amino acid conservation, physicochemical variation, residue mobility, and thermodynamic stability) performed at Invitae indicates that this missense variant is not expected to disrupt SH3TC2 protein function. This variant has not been reported in the literature in individuals affected with SH3TC2-related conditions. This variant is present in population databases (no rsID available, gnomAD 0.0009%). This sequence change replaces lysine, which is basic and polar, with asparagine, which is neutral and polar, at codon 888 of the SH3TC2 protein (p.Lys888Asn).

NM_024577.4(SH3TC2):c.2664G>T (p.Lys888Asn)

Gene: SH3TC2 (SH3 domain and tetratricopeptide repeats 2; minus strand). Cytogenetic location: 5q32.
Variant type: single nucleotide variant.
Coding change: c.2664G>T on transcript NM_024577.4 (MANE Select); coding-DNA position 2664, G replaced by T.
Protein change: p.Lys888Asn; replaces lysine 888 with asparagine.
Molecular consequence: missense variant.
Genome position (GRCh38, 1-based): chr5:149,027,068, C>A on the plus strand (G>T on the coding strand, the complement: SH3TC2 is on the minus strand). VCF-style: chr5-149027068-C-A. GRCh37 (hg19) VCF-style: chr5-148406631-C-A.
Other names: short protein forms K888N.
Identifiers: ClinVar variation 2100238 (VCV002100238.4), dbSNP rs1238097429, ClinGen allele CA361665897.